The following is an entry in ClinVar:

NM_000179.3(MSH6):c.454A>C (p.Thr152Pro)

Gene: MSH6 (mutS homolog 6; plus strand). Cytogenetic location: 2p16.3.
Variant type: single nucleotide variant.
Coding change: c.454A>C on transcript NM_000179.3 (MANE Select); coding-DNA position 454, A replaced by C.
Protein change: p.Thr152Pro; replaces threonine 152 with proline.
Molecular consequence: missense variant. On other transcripts: 5 prime UTR variant (2), intron variant (1).
Genome position (GRCh38, 1-based): chr2:47,791,120, A>C. VCF-style: chr2-47791120-A-C. GRCh37 (hg19) VCF-style: chr2-48018259-A-C.
Other names: c.-283A>C (NM_001281493.2, NM_001406811.1, NM_001406823.1 and 1 more transcripts); c.-449A>C (NM_001281494.2); c.550A>C, p.Thr184Pro (NM_001406795.1, NM_001406802.1); c.454A>C, p.Thr152Pro (NM_001406796.1, NM_001406798.1, NM_001406800.1 and 6 more transcripts); c.157A>C, p.Thr53Pro (NM_001406797.1, NM_001406801.1, NM_001406805.1 and 10 more transcripts); c.376A>C, p.Thr126Pro (NM_001406804.1); c.-475A>C (NM_001406807.1); c.-541A>C (NM_001406814.1); and 2 more; short protein forms T126P, T152P, T184P, T53P, T96P.
Identifiers: ClinVar variation 1741403 (VCV001741403.2), dbSNP rs2104112662, ClinGen allele CA346737205.

ClinVar aggregate classification (germline): Uncertain significance (1 of 4 stars; one submission).

Conditions:
Hereditary cancer-predisposing syndrome. Also called: Hereditary Cancer Syndrome; Hereditary neoplastic syndrome; Neoplastic Syndromes, Hereditary; Tumor predisposition. Identifiers: Orphanet 140162, MedGen C0027672, MeSH D009386, MONDO:0015356.

Submission:

Ambry Genetics
Classification: Uncertain significance for Hereditary cancer-predisposing syndrome. Last evaluated: 2018-06-14. Review status: criteria provided, single submitter. Criteria: Ambry Variant Classification Scheme 2023. Collection method: clinical testing. Allele origin: germline.
Comment: The p.T152P variant (also known as c.454A>C), located in coding exon 2 of the MSH6 gene, results from an A to C substitution at nucleotide position 454. The threonine at codon 152 is replaced by proline, an amino acid with highly similar properties. This amino acid position is not well conserved in available vertebrate species. In addition, this alteration is predicted to be tolerated by in silico analysis. In addition, the CoDP in silico tool predicts this alteration to have minor impact on molecular function, with a score of 0.000 (Terui H et al. J. Biomed. Sci. 2013 Apr;20:25). Since supporting evidence is limited at this time, the clinical significance of this alteration remains unclear.